The following is an entry in ClinVar:

ClinVar aggregate classification (germline): Pathogenic (1 of 4 stars; one submission).

Conditions:
Familial cancer of breast. Also called: Hereditary breast cancer; hereditary breast carcinoma; BREAST CANCER, FAMILIAL. Identifiers: Orphanet 227535, MedGen C0346153, MONDO:0016419, OMIM 114480. Disease mechanism: loss of function.

Submission:

Labcorp Genetics (formerly Invitae), Labcorp
Classification: Pathogenic for Familial cancer of breast. Last evaluated: 2020-12-01. Review status: criteria provided, single submitter. Criteria: Invitae Variant Classification Sherloc (09022015). Collection method: clinical testing. Allele origin: germline.
Comment: For these reasons, this variant has been classified as Pathogenic. A similar deletion has been observed in individual(s) with breast cancer (PMID: 26556299) and Fanconi anemia (PMID: 17200672). This variant is a gross deletion of the genomic region encompassing exon(s) 1-8 of the PALB2 gene, which includes the initiator codon. The 5' end of this event is unknown as it extends beyond the assayed region for this gene and therefore may encompass additional genes. The 3' boundary is likely confined to intron 8 of the PALB2 gene. It is expected to result in an absent or disrupted protein product. Loss-of-function variants in PALB2 are known to be pathogenic (PMID: 17200668, 24136930, 25099575).

Literature cited by the submitters: PubMed 26556299; PubMed 17200672; PubMed 17200668; PubMed 24136930; PubMed 25099575.

NC_000016.9:g.(?_23635320)_(23652478_?)del

Gene: PALB2 (partner and localizer of BRCA2; minus strand). Cytogenetic location: 16p12.2.
Variant type: Deletion.
Identifiers: ClinVar variation 1454296 (VCV001454296.7).